The following is an entry in ClinVar:

NM_006019.4(TCIRG1):c.1021-1G>T

Genes: MIR6753 (microRNA 6753; plus strand), TCIRG1 (T cell immune regulator 1, ATPase H+ transporting V0 subunit a3; plus strand). Cytogenetic location: 11q13.2.
Variant type: single nucleotide variant.
Coding change: c.1021-1G>T on transcript NM_006019.4 (MANE Select); the canonical splice acceptor site of the intron before coding-DNA position 1021, G replaced by T.
Molecular consequence: splice acceptor variant. On other transcripts: non-coding transcript variant (1).
Genome position (GRCh38, 1-based): chr11:68,044,957, G>T. VCF-style: chr11-68044957-G-T. GRCh37 (hg19) VCF-style: chr11-67812424-G-T.
Other names: c.1021-1G>T (NM_006019.3); c.127-1G>T (NM_001351059.2); c.373-1G>T (NM_006053.4).
Identifiers: ClinVar variation 1487056 (VCV001487056.9), dbSNP rs1590807544, ClinGen allele CA381581022.

ClinVar aggregate classification (germline): Likely pathogenic. Review status: criteria provided, multiple submitters, no conflicts (2 of 4 stars). 4 submissions from 4 submitters: Likely pathogenic (4). Last evaluated 2024-12-18.

Conditions:
Autosomal recessive osteopetrosis 1. Also called: TCIRG1-Related Autosomal Recessive Osteopetrosis; ALBERS-SCHONBERG DISEASE, AUTOSOMAL RECESSIVE; TCIRG1-Related Osteopetrosis. Identifiers: Orphanet 667, MedGen C1850127, MONDO:0009815, OMIM 259700.

Allele frequency attached by ClinVar (database versions not stated): gnomAD 0.00001; TOPMed 0.00001.

Submissions (4):

Natera, Inc.
Classification: Likely pathogenic for Infantile malignant osteopetrosis. Last evaluated: 2024-12-18. Review status: criteria provided, single submitter. Criteria: Natera Variant Classification Schema (03/2026). Collection method: clinical testing. Allele origin: germline.
Comment: The c.1021-1G>T variant in TCIRG1 is a canonical splice acceptor site variant predicted to affect pre-mRNA splicing, which may result in an abnormal transcript and altered protein product. This variant is expected to result in nonsense mediated decay, truncation, or a dysfunctional protein product. This variant is rare in the general population with a frequency below the threshold expected for the associated phenotype(s). Given the available evidence, this variant is classified as Likely Pathogenic.

Fulgent Genetics
Classification: Likely pathogenic for Autosomal recessive osteopetrosis 1. Last evaluated: 2024-04-03. Review status: criteria provided, single submitter. Criteria: ACMG Guidelines, 2015. Collection method: clinical testing. Allele origin: germline.

Baylor Genetics
Classification: Likely pathogenic for Autosomal recessive osteopetrosis 1. Last evaluated: 2023-09-27. Review status: criteria provided, single submitter. Criteria: ACMG Guidelines, 2015. Collection method: clinical testing. Allele origin: unknown.

Labcorp Genetics (formerly Invitae), Labcorp
Classification: Likely pathogenic. Last evaluated: 2022-07-25. Review status: criteria provided, single submitter. Criteria: Invitae Variant Classification Sherloc (09022015). Collection method: clinical testing. Allele origin: germline.
Comment: In summary, the currently available evidence indicates that the variant is pathogenic, but additional data are needed to prove that conclusively. Therefore, this variant has been classified as Likely Pathogenic. Algorithms developed to predict the effect of sequence changes on RNA splicing suggest that this variant may disrupt the consensus splice site. ClinVar contains an entry for this variant (Variation ID: 1487056). This variant has not been reported in the literature in individuals affected with TCIRG1-related conditions. This variant is not present in population databases (gnomAD no frequency). This sequence change affects an acceptor splice site in intron 9 of the TCIRG1 gene. It is expected to disrupt RNA splicing. Variants that disrupt the donor or acceptor splice site typically lead to a loss of protein function (PMID: 16199547), and loss-of-function variants in TCIRG1 are known to be pathogenic (PMID: 10888887, 10942435, 11532986, 19448635).

Literature cited by the submitters: PubMed 16199547 (cited by Labcorp Genetics (formerly Invitae), Labcorp); PubMed 10888887 (cited by Labcorp Genetics (formerly Invitae), Labcorp); PubMed 10942435 (cited by Labcorp Genetics (formerly Invitae), Labcorp); PubMed 11532986 (cited by Labcorp Genetics (formerly Invitae), Labcorp); PubMed 19448635 (cited by Labcorp Genetics (formerly Invitae), Labcorp).